The following is an entry in ClinVar:

NM_001374736.1(DST):c.625+8298A>G

Gene: DST (dystonin; minus strand). Cytogenetic location: 6p12.1.
Variant type: single nucleotide variant.
Coding change: c.625+8298A>G on transcript NM_001374736.1 (MANE Select); 8298 bases into the intron after coding-DNA position 625, A replaced by G.
Molecular consequence: intron variant. On other transcripts: missense variant (4).
Genome position (GRCh38, 1-based): chr6:56,843,099, T>C on the plus strand (A>G on the coding strand, the complement: DST is on the minus strand). VCF-style: chr6-56843099-T-C. GRCh37 (hg19) VCF-style: chr6-56707897-T-C.
Other names: c.47A>G, p.Gln16Arg (NM_001374729.1, NM_001374730.1, NM_001386100.1 and 1 more transcripts); c.625+8298A>G (NM_001144769.5, NM_001374722.1); c.652+8298A>G (NM_001374734.1); c.211+8298A>G (NM_001144770.2); short protein forms Q16R.
Identifiers: ClinVar variation 4987474 (VCV004987474.1).
Genomic context (GRCh38, chr6:56,843,099, plus strand): 5'-GGCAGGGACCACATACCTTTGTACCTCTCCAGGACATCCTCGTAGGCCTGGAGATACTCC[T>C]GCTCCTCCACGTACAGGTAAGCAGCAGGGGAGAGGTAACCCGCCATGCCGAAGTTTATCT-3'

ClinVar aggregate classification (germline): Uncertain significance (1 of 4 stars; one submission).

Conditions:
DST-related disorder. Also called: DST-related disorders; DST-related condition.

gnomAD v4.1: 39 of 1,572,570 alleles (0.0025%); highest among the groups gnomAD compares: Non-Finnish European, 0.0033%; no homozygotes.

Submission:

PreventionGenetics, part of Exact Sciences
Classification: Uncertain significance for DST-related condition. Last evaluated: 2025-11-22. Review status: criteria provided, single submitter. Criteria: ACMG Guidelines, 2015. Collection method: clinical testing. Allele origin: germline.
Comment: The DST c.47A>G variant is predicted to result in the amino acid substitution p.Gln16Arg. To our knowledge, this variant has not been reported in the literature. This variant is reported in 0.0045% of alleles in individuals of European (Non-Finnish) descent in gnomAD. At this time, the clinical significance of this variant is uncertain due to the absence of conclusive functional and genetic evidence.